The following is an entry in ClinVar:

NM_000051.4(ATM):c.6573-12C>T

Genes: ATM (ATM serine/threonine kinase; plus strand), C11orf65 (chromosome 11 open reading frame 65; minus strand). Cytogenetic location: 11q22.3.
Variant type: single nucleotide variant.
Coding change: c.6573-12C>T on transcript NM_000051.4 (MANE Select); 12 bases into the intron before coding-DNA position 6573, C replaced by T.
Molecular consequence: intron variant.
Genome position (GRCh38, 1-based): chr11:108,325,298, C>T. VCF-style: chr11-108325298-C-T. GRCh37 (hg19) VCF-style: chr11-108196025-C-T.
Other names: c.6573-12C>T (NM_001351834.2); c.641-16227G>A (NM_001330368.2); c.*38+9922G>A (NM_001351110.2).
Identifiers: ClinVar variation 383554 (VCV000383554.12), dbSNP rs1057521666, ClinGen allele CA16606202.

ClinVar aggregate classification (germline): Likely benign. Review status: criteria provided, multiple submitters, no conflicts (2 of 4 stars). 4 submissions from 4 submitters: Likely benign (4). Last evaluated 2026-01-09.

Conditions:
Ataxia-telangiectasia syndrome (AT). Also called: Ataxia-telangiectasia, complementation group D; Ataxia-telangiectasia, complementation group E; LOUIS-BAR SYNDROME; AT, COMPLEMENTATION GROUP C; ATAXIA-TELANGIECTASIA, COMPLEMENTATION GROUP A; ATAXIA-TELANGIECTASIA, FRESNO VARIANT. Identifiers: Orphanet 100, MedGen C0004135, MONDO:0008840, OMIM 208900.
Familial cancer of breast. Also called: hereditary breast carcinoma; Hereditary breast cancer; BREAST CANCER, FAMILIAL. Identifiers: Orphanet 227535, MedGen C0346153, MONDO:0016419, OMIM 114480. Disease mechanism: loss of function.
Hereditary cancer-predisposing syndrome. Also called: Neoplastic Syndromes, Hereditary; Hereditary neoplastic syndrome; Hereditary Cancer Syndrome; Tumor predisposition. Identifiers: Orphanet 140162, MedGen C0027672, MeSH D009386, MONDO:0015356.

Submissions (4):

Labcorp Genetics (formerly Invitae), Labcorp
Classification: Likely benign for Ataxia-telangiectasia syndrome. Last evaluated: 2026-01-09. Review status: criteria provided, single submitter. Criteria: Invitae Variant Classification Sherloc (09022015). Collection method: clinical testing. Allele origin: germline.

Myriad Genetics, Inc.
Classification: Likely benign for Familial cancer of breast. Last evaluated: 2024-06-07. Review status: criteria provided, single submitter. Criteria: Myriad Autosomal Dominant, Autosomal Recessive and X-Linked Classification Criteria (2023). Collection method: clinical testing. Allele origin: unknown.
Comment: This variant is considered likely benign. This variant is intronic and is not expected to impact mRNA splicing.

Color Diagnostics, LLC DBA Color Health
Classification: Likely benign for Hereditary cancer-predisposing syndrome. Last evaluated: 2018-01-25. Review status: criteria provided, single submitter. Criteria: ACMG Guidelines, 2015. Collection method: clinical testing. Allele origin: germline.

GeneDx
Classification: Likely benign. Last evaluated: 2016-11-14. Review status: criteria provided, single submitter. Criteria: GeneDx Variant Classification (06012015). Collection method: clinical testing. Allele origin: germline. Affected: yes.
Comment: This variant is considered likely benign or benign based on one or more of the following criteria: it is a conservative change, it occurs at a poorly conserved position in the protein, it is predicted to be benign by multiple in silico algorithms, and/or has population frequency not consistent with disease.